The following is an entry in ClinVar:

ClinVar aggregate classification (germline): Benign/Likely benign. Review status: criteria provided, multiple submitters, no conflicts (2 of 4 stars). 6 submissions from 6 submitters: Benign (4); Likely benign (2). Last evaluated 2026-09-01.

Conditions:
Sotos syndrome (SOTOS). Also called: SOTOS SYNDROME 1; CEREBRAL GIGANTISM; Distinctive facial appearance, overgrowth in childhood, and learning disabilities or delayed development; CHROMOSOME 5q35 DELETION SYNDROME; Sotos' syndrome. Identifiers: Orphanet 821, MedGen C0175695, MONDO:0019349, OMIM 117550.
Inborn genetic diseases. Identifiers: MedGen C0950123, MeSH D030342.

Allele frequency attached by ClinVar (database versions not stated): gnomAD exomes 0.00022 and 0.00052; gnomAD 0.00032; TOPMed 0.00034; ExAC 0.00044.
gnomAD v4.1: 183 of 1,614,038 alleles (0.011%); highest among the groups gnomAD compares: Admixed American, 0.3%; 4 homozygotes.

Submissions (6):

CeGaT Center for Human Genetics Tuebingen
Classification: Benign. Last evaluated: 2026-09-01. Review status: criteria provided, single submitter. Criteria: CeGaT Center For Human Genetics Tuebingen Variant Classification Criteria Version 2. Collection method: clinical testing. Allele origin: germline. Affected: yes. Observed: 3 variant alleles.
Comment: NSD1: BP4, BS1, BS2

Labcorp Genetics (formerly Invitae), Labcorp
Classification: Benign. Last evaluated: 2026-01-09. Review status: criteria provided, single submitter. Criteria: Invitae Variant Classification Sherloc (09022015). Collection method: clinical testing. Allele origin: germline.

Fulgent Genetics
Classification: Likely benign for Sotos syndrome. Last evaluated: 2021-09-28. Review status: criteria provided, single submitter. Criteria: ACMG Guidelines, 2015. Collection method: clinical testing. Allele origin: unknown.

Genome-Nilou Lab
Classification: Benign for Sotos syndrome. Last evaluated: 2021-07-15. Review status: criteria provided, single submitter. Criteria: ACMG Guidelines, 2015. Collection method: clinical testing. Allele origin: germline. Affected: no.

GeneDx
Classification: Benign. Last evaluated: 2021-04-21. Review status: criteria provided, single submitter. Criteria: GeneDx Variant Classification Process June 2021. Collection method: clinical testing. Allele origin: germline. Affected: yes.

Ambry Genetics
Classification: Likely benign for Inborn genetic diseases. Last evaluated: 2017-09-06. Review status: criteria provided, single submitter. Criteria: Ambry Variant Classification Scheme 2023. Collection method: clinical testing. Allele origin: germline.

NM_022455.5(NSD1):c.639C>T (p.Ser213=)

Gene: NSD1 (nuclear receptor binding SET domain protein 1; plus strand). Cytogenetic location: 5q35.3.
Variant type: single nucleotide variant.
Coding change: c.639C>T on transcript NM_022455.5 (MANE Select); coding-DNA position 639, C replaced by T.
Protein change: p.Ser213=; no amino-acid change (serine 213 retained).
Molecular consequence: synonymous variant. On other transcripts: intron variant (8).
Genome position (GRCh38, 1-based): chr5:177,135,742, C>T. VCF-style: chr5-177135742-C-T. GRCh37 (hg19) VCF-style: chr5-176562743-C-T.
Other names: c.639C>T, p.Ser213= (NM_001409301.1, NM_001409302.1, NM_001409303.1); c.418-199C>T (NM_001409304.1); c.-36-199C>T (NM_001409305.1, NM_001409306.1, NM_001409308.1 and 4 more transcripts).
Identifiers: ClinVar variation 524742 (VCV000524742.21), dbSNP rs755931458, ClinGen allele CA3576919.
Genomic context (GRCh38, chr5:177,135,742, plus strand): 5'-CAATTATGAGACTAAATCAGAGAATGGTGTAAAAGTGGCCATGGGAAGTGAACAAGACAG[C>T]ACACCAGAGAGTAGACACGGTGCAGTCAAATCGCCATTCTTGCCATTAGCTCCTCAGACT-3'
Protein context (NP_071900.2, residues 203-223): VKVAMGSEQD[Ser213=]TPESRHGAVK